The following is an entry in ClinVar:

NM_000059.4(BRCA2):c.4405_4409del (p.Asp1469fs)

Gene: BRCA2 (BRCA2 DNA repair associated; plus strand). Cytogenetic location: 13q13.1.
Variant type: Deletion.
Coding change: c.4405_4409del on transcript NM_000059.4 (MANE Select); coding-DNA positions 4405 to 4409, 5 bases deleted (GACAT; older notation c.4405_4409delGACAT).
Protein change: p.Asp1469fs; shifts the reading frame from aspartic acid 1469.
Molecular consequence: frameshift variant.
Genome position (GRCh38, 1-based): chr13:32,338,760-32,338,764, GACAT deleted; deleting any 5 consecutive bases within chr13:32,338,759-32,338,764 gives the same sequence; the c. name uses the placement nearest the transcript's 3' end. VCF-style (leftmost placement, unchanged base first): chr13-32338758-CTGACA-C. GRCh37 (hg19) VCF-style: chr13-32912895-CTGACA-C.
Other names: 4633del5; c.4405_4409delGACAT (NM_000059.3); short protein forms D1469fs.
Identifiers: ClinVar variation 37899 (VCV000037899.66), dbSNP rs397507331, ClinGen allele CA020098.

ClinVar aggregate classification (germline): Pathogenic. Review status: reviewed by expert panel (3 of 4 stars). 14 submissions from 14 submitters: Pathogenic (1). 13 of the submissions do not count toward it. Last evaluated 2016-09-08.

Conditions:
Hereditary cancer-predisposing syndrome. Also called: Tumor predisposition; Neoplastic Syndromes, Hereditary; Hereditary neoplastic syndrome; Hereditary Cancer Syndrome. Identifiers: Orphanet 140162, MedGen C0027672, MeSH D009386, MONDO:0015356.
Hereditary breast ovarian cancer syndrome. Also called: Hereditary breast and ovarian cancer; Hereditary breast and ovarian cancer syndrome (HBOC); Hereditary breast and/or ovarian cancer syndrome; Breast and ovarian cancer; Hereditary breast and ovarian cancer syndrome; BRCA1- and BRCA2-Associated Hereditary Breast and Ovarian Cancer. Identifiers: Orphanet 145, MedGen C0677776, MeSH D061325, MONDO:0003582. Disease mechanism: loss of function.
Breast-ovarian cancer, familial, susceptibility to, 2 (BROVCA2). Also called: BRCA2 Hereditary Breast and Ovarian Cancer. Identifiers: Orphanet 145, MedGen C2675520, MONDO:0012933, OMIM 612555. Disease mechanism: loss of function.
Familial cancer of breast. Also called: Hereditary breast cancer; BREAST CANCER, FAMILIAL; hereditary breast carcinoma. Identifiers: Orphanet 227535, MedGen C0346153, MONDO:0016419, OMIM 114480. Disease mechanism: loss of function.

Submissions (14):

Evidence-based Network for the Interpretation of Germline Mutant Alleles (ENIGMA)
Classification: Pathogenic for Breast-ovarian cancer, familial, susceptibility to, 2. Last evaluated: 2016-09-08. Review status: reviewed by expert panel. Criteria: ENIGMA BRCA1/2 Classification Criteria (2015). Collection method: curation. Allele origin: germline.
Comment: Variant allele predicted to encode a truncated non-functional protein.

Center for Genomic Medicine, Rigshospitalet, Copenhagen University Hospital
Classification: Pathogenic. Last evaluated: 2025-12-29. Review status: criteria provided, single submitter. Criteria: ACMG Guidelines, 2015. Collection method: clinical testing. Allele origin: germline. Not counted in ClinVar's aggregate classification.

Labcorp Genetics (formerly Invitae), Labcorp
Classification: Pathogenic for Hereditary breast ovarian cancer syndrome. Last evaluated: 2025-12-10. Review status: criteria provided, single submitter. Criteria: Invitae Variant Classification Sherloc (09022015). Collection method: clinical testing. Allele origin: germline. Not counted in ClinVar's aggregate classification.
Comment: This sequence change creates a premature translational stop signal (p.Asp1469Lysfs*11) in the BRCA2 gene. It is expected to result in an absent or disrupted protein product. Loss-of-function variants in BRCA2 are known to be pathogenic (PMID: 20104584). This variant is not present in population databases (gnomAD no frequency). This premature translational stop signal has been observed in individual(s) with breast cancer (PMID: 25682074). ClinVar contains an entry for this variant (Variation ID: 37899). For these reasons, this variant has been classified as Pathogenic.

GeneDx
Classification: Pathogenic. Last evaluated: 2023-04-02. Review status: criteria provided, single submitter. Criteria: GeneDx Variant Classification Process June 2021. Collection method: clinical testing. Allele origin: germline. Affected: yes. Not counted in ClinVar's aggregate classification.
Comment: Observed in individuals with a personal or family history consistent with pathogenic variants in this gene (Wong-Brown et al., 2015; Murali et al., 2021); Frameshift variant predicted to result in protein truncation or nonsense mediated decay in a gene for which loss of function is a known mechanism of disease; Not observed at significant frequency in large population cohorts (gnomAD); Truncating variants in this gene are considered pathogenic by a well-established clinical consortium and/or database; Also known as 4633_4637del; This variant is associated with the following publications: (PMID: 34399810, 25682074, 28281021, 20104584, 32719484, 29446198)

Ambry Genetics
Classification: Pathogenic for Hereditary cancer-predisposing syndrome. Last evaluated: 2023-03-06. Review status: criteria provided, single submitter. Criteria: Ambry Variant Classification Scheme 2023. Collection method: clinical testing. Allele origin: germline. Not counted in ClinVar's aggregate classification.
Comment: The c.4405_4409delGACAT pathogenic mutation, located in coding exon 10 of the BRCA2 gene, results from a deletion of 5 nucleotides between positions 4405 and 4409, causing a translational frameshift with a predicted alternate stop codon (p.D1469Kfs*11). This alteration was reported in one individual from a cohort of 774 Australian and Polish women with triple negative breast cancer (Wong-Brown MW et al. Breast Cancer Res. Treat. 2015 Feb;150(1):71-80). This variant is considered to be rare based on population cohorts in the Genome Aggregation Database (gnomAD). In addition to the clinical data presented in the literature, this alteration is expected to result in loss of function by premature protein truncation or nonsense-mediated mRNA decay. As such, this alteration is interpreted as a disease-causing mutation.

Quest Diagnostics Nichols Institute San Juan Capistrano
Classification: Pathogenic. Last evaluated: 2022-11-03. Review status: criteria provided, single submitter. Criteria: Quest Diagnostics criteria. Collection method: clinical testing. Allele origin: unknown. Not counted in ClinVar's aggregate classification.
Comment: This frameshift variant alters the translational reading frame of the BRCA2 mRNA and causes the premature termination of BRCA2 protein synthesis. This variant has not been reported in large, multi-ethnic general populations. In the published literature, the variant has been reported in individuals with breast cancer (PMIDs: 25682074 (2015), 28281021 (2017), 29446198 (2018), 34399810 (2021), and 33471991 (2021), see also LOVD). Based on the available information, this variant is classified as pathogenic.

Color Diagnostics, LLC DBA Color Health
Classification: Pathogenic for Hereditary cancer-predisposing syndrome. Last evaluated: 2022-02-10. Review status: criteria provided, single submitter. Criteria: ACMG Guidelines, 2015. Collection method: clinical testing. Allele origin: germline. Not counted in ClinVar's aggregate classification.
Comment: This variant deletes 5 nucleotides in exon 11 of the BRCA2 gene, creating a frameshift and premature translation stop signal. This variant is expected to result in an absent or non-functional protein product. To our knowledge, functional studies have not been reported for this variant. This variant has been reported in 3 individuals affected with breast cancer (PMID: 25682074, 33113089, 34399810), and has been identified in 6 families among the CIMBA participants (PMID: 29446198). In a large breast cancer case-control study conducted by the BRIDGES consortium, this variant was reported in 1/60466 cases and 1/53461 controls (OR=0.884, 95%CI: 0.055 to 14.136, p-value=1) (PMID: 33471991; Leiden Open Variation Database DB-ID BRCA2_004635). This variant has not been identified in the general population by the Genome Aggregation Database (gnomAD). Loss of BRCA2 function is a known mechanism of disease. Based on the available evidence, this variant is classified as Pathogenic.

Baylor Genetics
Classification: Pathogenic for Familial cancer of breast. Last evaluated: 2021-10-17. Review status: criteria provided, single submitter. Criteria: ACMG Guidelines, 2015. Collection method: clinical testing. Allele origin: unknown. Not counted in ClinVar's aggregate classification.

Women's Health and Genetics/Laboratory Corporation of America, LabCorp
Classification: Pathogenic for Hereditary breast and ovarian cancer syndrome. Last evaluated: 2020-12-28. Review status: criteria provided, single submitter. Criteria: LabCorp Variant Classification Summary - May 2015. Collection method: clinical testing. Allele origin: germline. Not counted in ClinVar's aggregate classification.
Comment: Variant summary: BRCA2 c.4405_4409delGACAT (p.Asp1469LysfsX11) results in a premature termination codon, predicted to cause a truncation of the encoded protein or absence of the protein due to nonsense mediated decay, which are commonly known mechanisms for disease. Truncations downstream of this position have been classified as pathogenic by our laboratory. The variant was absent in 247790 control chromosomes (gnomAD). c.4405_4409delGACAT has been reported in the literature in multiple individuals affected with Hereditary Breast And Ovarian Cancer Syndrome (e.g. Wong-Brown_2015, Crawford_2017, Rebbeck_2018). These data indicate that the variant is very likely to be associated with disease. To our knowledge, no experimental evidence demonstrating an impact on protein function has been reported. Seven other ClinVar submitters (including two expert panels; evaluation after 2014) cite the variant as pathogenic/likely pathogenic. Based on the evidence outlined above, the variant was classified as pathogenic.

Consortium of Investigators of Modifiers of BRCA1/2 (CIMBA), c/o University of Cambridge
Classification: Pathogenic for Breast-ovarian cancer, familial, susceptibility to, 2. Last evaluated: 2015-10-02. Review status: criteria provided, single submitter. Criteria: CIMBA Mutation Classification guidelines May 2016. Collection method: clinical testing. Allele origin: germline. Not counted in ClinVar's aggregate classification.

Counsyl
Classification: Likely pathogenic for Breast-ovarian cancer, familial, susceptibility to, 2. Last evaluated: 2016-03-17. Review status: no assertion criteria provided. Collection method: clinical testing. Allele origin: unknown. Not counted in ClinVar's aggregate classification.

Research Molecular Genetics Laboratory, Women's College Hospital, University of Toronto
Classification: Pathogenic for Hereditary breast ovarian cancer syndrome. Last evaluated: 2014-01-31. Review status: no assertion criteria provided. Collection method: research. Allele origin: germline. Affected: yes. Study: The Canadian Open Genetics Repository (COGR). Not counted in ClinVar's aggregate classification.

Sharing Clinical Reports Project (SCRP)
Classification: Pathogenic for Breast-ovarian cancer, familial 2. Last evaluated: 2010-08-18. Review status: no assertion criteria provided. Collection method: clinical testing. Allele origin: germline. Not counted in ClinVar's aggregate classification.

Department of Pathology and Laboratory Medicine, Sinai Health System
Classification: Pathogenic for Breast-ovarian cancer, familial, susceptibility to, 2. Review status: no assertion criteria provided. Collection method: clinical testing. Allele origin: unknown. Affected: yes. Study: The Canadian Open Genetics Repository (COGR). Not counted in ClinVar's aggregate classification.
Comment: The BRCA2 p.Asp1469LysfsX11 variant was not identified in the literature, nor was it identified in the NHLBI Exome Sequencing Project, Exome Aggregation Consortium (March 14, 2016), COSMIC, Clinvitae, BIC, BRCA Share UMD, ARUP Laboratories, LOVD Fanconiâ€šÃ„Ã´s Anaemia and MutDB. The variant was identified DbSNP dbSNP (ID: rs397507331) as â€šÃ„ÃºWith Pathogenic alleleâ€šÃ„Ã¹. In the ClinVar database the variant was identified as pathogenic allele by the Sharing Clinical Reports Project, by GeneDx and Molecular Genetics Diagnostic Laboratory-Children Hospital of Eastern Ontario. The p.Asp1469LysfsX11deletion variant is predicted to cause a frameshift, which alters the protein's amino acid sequence beginning at codon 1469 and leads to a premature stop codon 11 codons downstream. This alteration is then predicted to result in a truncated or absent protein and loss of function. Loss of function variants of the BRCA2 gene are an established mechanism of disease in hereditary breast and ovarian cancer and is the type of variant expected to cause the disorder. In summary, based on the above information, this variant meets our laboratoryâ€šÃ„Ã´s criteria to be classified as pathogenic.

Literature cited by the submitters: PubMed 20104584 (cited by Labcorp Genetics (formerly Invitae), Labcorp); PubMed 25682074 (cited by 6 submitters); PubMed 29446198 (cited by 3 submitters); PubMed 28281021 (cited by Quest Diagnostics Nichols Institute San Juan Capistrano and Women's Health and Genetics/Laboratory Corporation of America, LabCorp); PubMed 32719484 (cited by Quest Diagnostics Nichols Institute San Juan Capistrano); PubMed 34399810 (cited by Quest Diagnostics Nichols Institute San Juan Capistrano and Color Diagnostics, LLC DBA Color Health); PubMed 33471991 (cited by Quest Diagnostics Nichols Institute San Juan Capistrano and Color Diagnostics, LLC DBA Color Health); PubMed 33113089 (cited by Color Diagnostics, LLC DBA Color Health).